The following is an entry in ClinVar:

ClinVar aggregate classification (germline): Uncertain significance (1 of 4 stars; one submission).

Conditions:
ADCY3-related disorder. Also called: ADCY3-related condition.

gnomAD v4.1: 7 of 1,614,100 alleles (0.00043%); highest among the groups gnomAD compares: Admixed American, 0.0017%; no homozygotes.

Submission:

PreventionGenetics, part of Exact Sciences
Classification: Uncertain significance for ADCY3-related condition. Last evaluated: 2025-11-04. Review status: criteria provided, single submitter. Criteria: ACMG Guidelines, 2015. Collection method: clinical testing. Allele origin: germline.
Comment: The ADCY3 c.1590G>C variant is predicted to result in the amino acid substitution p.Glu530Asp. To our knowledge, this variant has not been reported in the literature. This variant is reported in 0.0029% of alleles in individuals of Latino descent in gnomAD. At this time, the clinical significance of this variant is uncertain due to the absence of conclusive functional and genetic evidence.

NM_004036.5(ADCY3):c.1590G>C (p.Glu530Asp)

Gene: ADCY3 (adenylate cyclase 3; minus strand). Cytogenetic location: 2p23.3.
Variant type: single nucleotide variant.
Coding change: c.1590G>C on transcript NM_004036.5 (MANE Select); coding-DNA position 1590, G replaced by C.
Protein change: p.Glu530Asp; replaces glutamic acid 530 with aspartic acid.
Molecular consequence: missense variant.
Genome position (GRCh38, 1-based): chr2:24,836,989, C>G on the plus strand (G>C on the coding strand, the complement: ADCY3 is on the minus strand). VCF-style: chr2-24836989-C-G. GRCh37 (hg19) VCF-style: chr2-25059858-C-G.
Other names: c.1590G>C, p.Glu530Asp (NM_001320613.2, NM_001377129.1, NM_001377130.1 and 1 more transcripts); c.1656G>C, p.Glu552Asp (NM_001377128.1); c.867G>C, p.Glu289Asp (NM_001377131.1); short protein forms E530D, E552D, E289D.
Identifiers: ClinVar variation 4979942 (VCV004979942.1).
Genomic context (GRCh38, chr2:24,836,989, plus strand): 5'-CTCCTCGGGCTTCTCCGACGTGGACCCACTGCTGTGGGCACTCCCGTTGGGCTCCTTGGT[C>G]TCAATGAGGGCAGGGGAGCTGGACTTTGAGGAAGCTGGTGCTCCATTGGGCAGGGCCTAG-3'
Protein context (NP_004027.2, residues 520-540): SSKSSSPALI[Glu530Asp]TKEPNGSAHS